The following is an entry in ClinVar:

ClinVar aggregate classification (germline): Uncertain significance (1 of 4 stars; one submission).

Allele frequency attached by ClinVar (database versions not stated): gnomAD exomes below 0.00001; TOPMed below 0.00001.
gnomAD v4.1: 2 of 1,614,078 alleles (0.00012%); highest among the groups gnomAD compares: East Asian, 0.0045%; no homozygotes.

Submission:

Labcorp Genetics (formerly Invitae), Labcorp
Classification: Uncertain significance. Last evaluated: 2022-02-09. Review status: criteria provided, single submitter. Criteria: Invitae Variant Classification Sherloc (09022015). Collection method: clinical testing. Allele origin: germline.
Comment: This sequence change replaces valine, which is neutral and non-polar, with methionine, which is neutral and non-polar, at codon 169 of the EYS protein (p.Val169Met). This variant is not present in population databases (gnomAD no frequency). This variant has not been reported in the literature in individuals affected with EYS-related conditions. Algorithms developed to predict the effect of missense changes on protein structure and function are either unavailable or do not agree on the potential impact of this missense change (SIFT: "Deleterious"; PolyPhen-2: "Probably Damaging"; Align-GVGD: "Class C15"). In summary, the available evidence is currently insufficient to determine the role of this variant in disease. Therefore, it has been classified as a Variant of Uncertain Significance.

NM_001142800.2(EYS):c.505G>A (p.Val169Met)

Gene: EYS (EGF-like photoreceptor maintenance factor; minus strand). Cytogenetic location: 6q12.
Variant type: single nucleotide variant.
Coding change: c.505G>A on transcript NM_001142800.2 (MANE Select); coding-DNA position 505, G replaced by A.
Protein change: p.Val169Met; replaces valine 169 with methionine.
Molecular consequence: missense variant.
Genome position (GRCh38, 1-based): chr6:65,494,906, C>T on the plus strand (G>A on the coding strand, the complement: EYS is on the minus strand). VCF-style: chr6-65494906-C-T. GRCh37 (hg19) VCF-style: chr6-66204799-C-T.
Other names: c.505G>A, p.Val169Met (NM_001142801.2, NM_001292009.2, NM_198283.2); short protein forms V169M.
Identifiers: ClinVar variation 1901042 (VCV001901042.5), dbSNP rs1766188377, ClinGen allele CA364789776.